The following is an entry in ClinVar:

ClinVar aggregate classification (germline): Likely pathogenic (1 of 4 stars; one submission).

Conditions:
Autosomal recessive limb-girdle muscular dystrophy type 2D (LGMDR3). Also called: DUCHENNE-LIKE AUTOSOMAL RECESSIVE MUSCULAR DYSTROPHY, TYPE 2; ADHALINOPATHY, PRIMARY; MUSCULAR DYSTROPHY, LIMB-GIRDLE, AUTOSOMAL RECESSIVE 3. Identifiers: Orphanet 62, MedGen C2936332, MONDO:0011968, OMIM 608099. Disease mechanism: Affects gamma-sarcoglycan and also disrupts the integrity of the entire sarcoglycan complex..

Allele frequency attached by ClinVar (database versions not stated): gnomAD 0.00001; gnomAD exomes 0.00001; ExAC 0.00002; TOPMed 0.00003.

Submission:

Labcorp Genetics (formerly Invitae), Labcorp
Classification: Likely pathogenic for Autosomal recessive limb-girdle muscular dystrophy type 2D. Last evaluated: 2025-04-07. Review status: criteria provided, single submitter. Criteria: Invitae Variant Classification Sherloc (09022015). Collection method: clinical testing. Allele origin: germline.
Comment: This sequence change replaces arginine, which is basic and polar, with tryptophan, which is neutral and slightly polar, at codon 316 of the SGCA protein (p.Arg316Trp). This variant is present in population databases (rs765864199, gnomAD 0.01%). This missense change has been observed in individual(s) with limb-girdle muscular dystrophy (internal data). ClinVar contains an entry for this variant (Variation ID: 2141344). Invitae Evidence Modeling of protein sequence and biophysical properties (such as structural, functional, and spatial information, amino acid conservation, physicochemical variation, residue mobility, and thermodynamic stability) indicates that this missense variant is expected to disrupt SGCA protein function with a positive predictive value of 95%. Algorithms developed to predict the effect of sequence changes on RNA splicing suggest that this variant may disrupt the consensus splice site. In summary, the currently available evidence indicates that the variant is pathogenic, but additional data are needed to prove that conclusively. Therefore, this variant has been classified as Likely Pathogenic.

NM_000023.4(SGCA):c.946C>T (p.Arg316Trp)

Gene: SGCA (sarcoglycan alpha; plus strand). Cytogenetic location: 17q21.33.
Variant type: single nucleotide variant.
Coding change: c.946C>T on transcript NM_000023.4 (MANE Select); coding-DNA position 946, C replaced by T.
Protein change: p.Arg316Trp; replaces arginine 316 with tryptophan.
Molecular consequence: missense variant. On other transcripts: intron variant (1).
Genome position (GRCh38, 1-based): chr17:50,170,341, C>T. VCF-style: chr17-50170341-C-T. GRCh37 (hg19) VCF-style: chr17-48247702-C-T.
Other names: c.585-299C>T (NM_001135697.3); short protein forms R316W.
Identifiers: ClinVar variation 2141344 (VCV002141344.3), dbSNP rs765864199, ClinGen allele CA8643946.
Genomic context (GRCh38, chr17:50,170,341, plus strand): 5'-GTGCCCCTGCTGGTGGCCCTGCTTCTCACCTTGCTGCTGGCCTATGTCATGTGCTGCCGG[C>T]GGGAGGGAAGGTGAATGTGGGCATGAAGGGCGGGGGAGCACCTGCTGGAGCTCACACCCA-3'
Protein context (NP_000014.1, residues 306-326): LLLAYVMCCR[Arg316Trp]EGRLKRDLAT